The following is an entry in ClinVar:

NM_004408.4(DNM1):c.2405C>T (p.Pro802Leu)

Genes: DNM1 (dynamin 1; plus strand), LOC130002699 (ATAC-STARR-seq lymphoblastoid silent region 20333; plus strand). Cytogenetic location: 9q34.11.
Variant type: single nucleotide variant.
Coding change: c.2405C>T on transcript NM_004408.4 (MANE Select); coding-DNA position 2405, C replaced by T.
Protein change: p.Pro802Leu; replaces proline 802 with leucine.
Molecular consequence: missense variant.
Genome position (GRCh38, 1-based): chr9:128,250,811, C>T. VCF-style: chr9-128250811-C-T. GRCh37 (hg19) VCF-style: chr9-131013090-C-T.
Other names: c.2405C>T, p.Pro802Leu (NM_001005336.3, NM_001288737.2, NM_001288738.2 and 2 more transcripts); short protein forms P802L.
Identifiers: ClinVar variation 1350330 (VCV001350330.7), dbSNP rs1829472592, ClinGen allele CA375001674.

ClinVar aggregate classification (germline): Uncertain significance. Review status: criteria provided, multiple submitters, no conflicts (2 of 4 stars). 2 submissions from 2 submitters: Uncertain significance (2). Last evaluated 2023-04-27.

Conditions:
Developmental and epileptic encephalopathy, 31A. Also called: Epileptic encephalopathy, early infantile, 31; Developmental and epileptic encephalopathy, 31. Identifiers: Orphanet 2382, MedGen C4225357, MONDO:0014598, OMIM 616346.

Allele frequency attached by ClinVar (database versions not stated): gnomAD exomes below 0.00001; TOPMed below 0.00001.
gnomAD v4.1: 1 of 1,333,796 alleles (0.000075%); highest among the groups gnomAD compares: Non-Finnish European, 0.000095%; no homozygotes.

Submissions (2):

Blueprint Genetics
Classification: Uncertain significance. Last evaluated: 2023-04-27. Review status: criteria provided, single submitter. Criteria: ACMG Guidelines, 2015. Collection method: clinical testing. Allele origin: germline.

Labcorp Genetics (formerly Invitae), Labcorp
Classification: Uncertain significance for Developmental and epileptic encephalopathy, 31A. Last evaluated: 2023-02-04. Review status: criteria provided, single submitter. Criteria: Invitae Variant Classification Sherloc (09022015). Collection method: clinical testing. Allele origin: germline.
Comment: In summary, the available evidence is currently insufficient to determine the role of this variant in disease. Therefore, it has been classified as a Variant of Uncertain Significance. Algorithms developed to predict the effect of missense changes on protein structure and function (SIFT, PolyPhen-2, Align-GVGD) all suggest that this variant is likely to be tolerated. ClinVar contains an entry for this variant (Variation ID: 1350330). This variant has not been reported in the literature in individuals affected with DNM1-related conditions. This variant is not present in population databases (gnomAD no frequency). This sequence change replaces proline, which is neutral and non-polar, with leucine, which is neutral and non-polar, at codon 802 of the DNM1 protein (p.Pro802Leu).